The following is an entry in ClinVar:

NM_182914.3(SYNE2):c.85C>A (p.Gln29Lys)

Gene: SYNE2 (spectrin repeat containing nuclear envelope protein 2; plus strand). Cytogenetic location: 14q23.2.
Variant type: single nucleotide variant.
Coding change: c.85C>A on transcript NM_182914.3 (MANE Select); coding-DNA position 85, C replaced by A.
Protein change: p.Gln29Lys; replaces glutamine 29 with lysine.
Molecular consequence: missense variant.
Genome position (GRCh38, 1-based): chr14:63,940,619, C>A. VCF-style: chr14-63940619-C-A. GRCh37 (hg19) VCF-style: chr14-64407337-C-A.
Other names: c.85C>A, p.Gln29Lys (NM_015180.6); short protein forms Q29K.
Identifiers: ClinVar variation 4708168 (VCV004708168.1).
Genomic context (GRCh38, chr14:63,940,619, plus strand): 5'-CAGGAGGTTTCTGAGGCTTCTGGTTTTATAACTGCTGTTGTTCTTTCTTTGATAGCTGAA[C>A]AGGAAGACACCCAGAAGAAAGCCTTCACGTGCTGGATAAACTCACAGTTGGCCAGGGTAA-3'
Protein context (NP_878918.2, residues 19-39): DDLHISLQAE[Gln29Lys]EDTQKKAFTC

ClinVar aggregate classification (germline): Uncertain significance (1 of 4 stars; one submission).

Conditions:
Emery-Dreifuss muscular dystrophy 5, autosomal dominant (EDMD5). Also called: EMERY-DREIFUSS MUSCULAR DYSTROPHY 5. Identifiers: Orphanet 261, MedGen C2751805, MONDO:0013072, OMIM 612999.

Submission:

Labcorp Genetics (formerly Invitae), Labcorp
Classification: Uncertain significance for Emery-Dreifuss muscular dystrophy 5, autosomal dominant. Last evaluated: 2025-03-14. Review status: criteria provided, single submitter. Criteria: Invitae Variant Classification Sherloc (09022015). Collection method: clinical testing. Allele origin: germline.
Comment: This sequence change replaces glutamine, which is neutral and polar, with lysine, which is basic and polar, at codon 29 of the SYNE2 protein (p.Gln29Lys). This variant is not present in population databases (gnomAD no frequency). This variant has not been reported in the literature in individuals affected with SYNE2-related conditions. An algorithm developed to predict the effect of missense changes on protein structure and function (PolyPhen-2) suggests that this variant is likely to be disruptive. In summary, the available evidence is currently insufficient to determine the role of this variant in disease. Therefore, it has been classified as a Variant of Uncertain Significance.